The following is an entry in ClinVar:

ClinVar aggregate classification (germline): Uncertain significance. Review status: criteria provided, multiple submitters, no conflicts (2 of 4 stars). 2 submissions from 2 submitters: Uncertain significance (2). Last evaluated 2025-08-11.

Conditions:
Werner syndrome (WRN). Identifiers: Orphanet 902, MedGen C0043119, MONDO:0010196, OMIM 277700.

Allele frequency attached by ClinVar (database versions not stated): gnomAD exomes below 0.00001 and 0.00009; TOPMed below 0.00001; gnomAD 0.00001; ESP Exome Variant Server 0.00008.
gnomAD v4.1: 125 of 1,594,224 alleles (0.0078%); highest among the groups gnomAD compares: Non-Finnish European, 0.01%; no homozygotes.

Submissions (2):

Labcorp Genetics (formerly Invitae), Labcorp
Classification: Uncertain significance for Werner syndrome. Last evaluated: 2025-08-11. Review status: criteria provided, single submitter. Criteria: Invitae Variant Classification Sherloc (09022015). Collection method: clinical testing. Allele origin: germline.
Comment: This sequence change replaces tyrosine, which is neutral and polar, with cysteine, which is neutral and slightly polar, at codon 1112 of the WRN protein (p.Tyr1112Cys). This variant is present in population databases (rs113532342, gnomAD 0.0009%). This variant has not been reported in the literature in individuals affected with WRN-related conditions. ClinVar contains an entry for this variant (Variation ID: 404037). An algorithm developed to predict the effect of missense changes on protein structure and function (PolyPhen-2) suggests that this variant is likely to be tolerated. In summary, the available evidence is currently insufficient to determine the role of this variant in disease. Therefore, it has been classified as a Variant of Uncertain Significance.

Fulgent Genetics
Classification: Uncertain significance for Werner syndrome. Last evaluated: 2024-02-23. Review status: criteria provided, single submitter. Criteria: ACMG Guidelines, 2015. Collection method: clinical testing. Allele origin: germline.

NM_000553.6(WRN):c.3335A>G (p.Tyr1112Cys)

Gene: WRN (WRN RecQ like helicase; plus strand). Cytogenetic location: 8p12.
Variant type: single nucleotide variant.
Coding change: c.3335A>G on transcript NM_000553.6 (MANE Select); coding-DNA position 3335, A replaced by G.
Protein change: p.Tyr1112Cys; replaces tyrosine 1112 with cysteine.
Molecular consequence: missense variant.
Genome position (GRCh38, 1-based): chr8:31,143,575, A>G. VCF-style: chr8-31143575-A-G. GRCh37 (hg19) VCF-style: chr8-31001091-A-G.
Other names: short protein forms Y1112C.
Identifiers: ClinVar variation 404037 (VCV000404037.9), dbSNP rs113532342, ClinGen allele CA16612442.
Genomic context (GRCh38, chr8:31,143,575, plus strand): 5'-CTTTTTTTAATGGACCTTTATATGTTTAAATGCAGTCTAACTTGGAGAAGTTATATTCTT[A>G]TAAACCATGTGATAAGATTTCTTCTGGGAGTAACATTTCTAAAAAAAGGTACAGAGTTCC-3'
Protein context (NP_000544.2, residues 1102-1122): KKSNLEKLYS[Tyr1112Cys]KPCDKISSGS